The following is an entry in ClinVar:

NM_001927.4(DES):c.1363G>A (p.Asp455Asn)

Gene: DES (desmin; plus strand). Cytogenetic location: 2q35.
Variant type: single nucleotide variant.
Coding change: c.1363G>A on transcript NM_001927.4 (MANE Select); coding-DNA position 1363, G replaced by A.
Protein change: p.Asp455Asn; replaces aspartic acid 455 with asparagine.
Molecular consequence: missense variant.
Genome position (GRCh38, 1-based): chr2:219,425,737, G>A. VCF-style: chr2-219425737-G-A. GRCh37 (hg19) VCF-style: chr2-220290459-G-A.
Other names: c.1360G>A, p.Asp454Asn (NM_001382708.1); c.931G>A, p.Asp311Asn (NM_001382709.1); c.1294G>A, p.Asp432Asn (NM_001382710.1); c.1342G>A, p.Asp448Asn (NM_001382711.1); c.1363G>A, p.Asp455Asn (NM_001382712.1); c.1093G>A, p.Asp365Asn (NM_001382713.1); short protein forms D365N, D311N, D454N, D432N, D448N, D455N.
Identifiers: ClinVar variation 2015189 (VCV002015189.5), dbSNP rs778998180, ClinGen allele CA2125306.

ClinVar aggregate classification (germline): Uncertain significance. Review status: criteria provided, multiple submitters, no conflicts (2 of 4 stars). 2 submissions from 2 submitters: Uncertain significance (2). Last evaluated 2024-01-05.

Conditions:
Dilated cardiomyopathy 1I (CMD1I). Identifiers: Orphanet 154, MedGen C1858154, MONDO:0011482, OMIM 604765.
Desmin-related myofibrillar myopathy (MFM1). Also called: Desminopathy; Desmin related myopathy (former name); Desmin storage myopathy (former name); Myofibrillar myopathy 1; MYOFIBRILLAR MYOPATHY WITH ARRHYTHMOGENIC RIGHT VENTRICULAR CARDIOMYOPATHY; DESMIN-RELATED MYOPATHY WITH ARRHYTHMOGENIC RIGHT VENTRICULAR CARDIOMYOPATHY. Identifiers: Orphanet 363543, Orphanet 98909, MedGen C1832370, MONDO:0011076, OMIM 601419.
Neurogenic scapuloperoneal syndrome, Kaeser type (SCPNK). Also called: KAESER SYNDROME. Identifiers: Orphanet 85146, MedGen C1867005, MONDO:0008407, OMIM 181400.

Allele frequency attached by ClinVar (database versions not stated): gnomAD exomes 0.00001; ExAC 0.00002.
gnomAD v4.1: 7 of 1,605,056 alleles (0.00044%); highest among the groups gnomAD compares: South Asian, 0.0022%; no homozygotes.

Submissions (2):

Fulgent Genetics
Classification: Uncertain significance for Neurogenic scapuloperoneal syndrome, Kaeser type; Desmin-related myofibrillar myopathy; Dilated cardiomyopathy 1I. Last evaluated: 2024-01-05. Review status: criteria provided, single submitter. Criteria: ACMG Guidelines, 2015. Collection method: clinical testing. Allele origin: germline.

Labcorp Genetics (formerly Invitae), Labcorp
Classification: Uncertain significance for Desmin-related myofibrillar myopathy. Last evaluated: 2022-05-26. Review status: criteria provided, single submitter. Criteria: Invitae Variant Classification Sherloc (09022015). Collection method: clinical testing. Allele origin: germline.
Comment: In summary, the available evidence is currently insufficient to determine the role of this variant in disease. Therefore, it has been classified as a Variant of Uncertain Significance. Algorithms developed to predict the effect of missense changes on protein structure and function (SIFT, PolyPhen-2, Align-GVGD) all suggest that this variant is likely to be tolerated. This variant has not been reported in the literature in individuals affected with DES-related conditions. The frequency data for this variant in the population databases is considered unreliable, as metrics indicate poor data quality at this position in the gnomAD database. This sequence change replaces aspartic acid, which is acidic and polar, with asparagine, which is neutral and polar, at codon 455 of the DES protein (p.Asp455Asn).